The following is an entry in ClinVar:

ClinVar aggregate classification (germline): Conflicting classifications of pathogenicity. Review status: criteria provided, conflicting classifications (1 of 4 stars). 5 submissions from 5 submitters: Uncertain significance (1); Likely benign (4). Last evaluated 2026-09-01.

Conditions:
Inborn genetic diseases. Identifiers: MedGen C0950123, MeSH D030342.
Early-infantile DEE. Also called: Early infantile epileptic encephalopathy with suppression bursts; Early infantile epileptic encephalopathy; Ohtahara syndrome. Identifiers: Orphanet 1934, MedGen C0393706, MONDO:0800491.

Submissions (5):

CeGaT Center for Human Genetics Tuebingen
Classification: Likely benign. Last evaluated: 2026-09-01. Review status: criteria provided, single submitter. Criteria: CeGaT Center For Human Genetics Tuebingen Variant Classification Criteria Version 2. Collection method: clinical testing. Allele origin: germline. Affected: yes. Observed: 1 variant allele.
Comment: SCN8A: PM4, BS2

Labcorp Genetics (formerly Invitae), Labcorp
Classification: Uncertain significance for Early-infantile DEE. Last evaluated: 2025-08-20. Review status: criteria provided, single submitter. Criteria: Invitae Variant Classification Sherloc (09022015). Collection method: clinical testing. Allele origin: germline.
Comment: This variant, c.1855_1863dup, results in the insertion of 3 amino acid(s) of the SCN8A protein (p.Gly619_Ser621dup), but otherwise preserves the integrity of the reading frame. This variant is present in population databases (no rsID available, gnomAD 0.01%). This variant has not been reported in the literature in individuals affected with SCN8A-related conditions. ClinVar contains an entry for this variant (Variation ID: 653903). Experimental studies and prediction algorithms are not available or were not evaluated, and the functional significance of this variant is currently unknown. In summary, the available evidence is currently insufficient to determine the role of this variant in disease. Therefore, it has been classified as a Variant of Uncertain Significance.

Blueprint Genetics
Classification: Likely benign. Last evaluated: 2024-09-12. Review status: criteria provided, single submitter. Criteria: ACMG Guidelines, 2015. Collection method: clinical testing. Allele origin: germline.

Ambry Genetics
Classification: Likely benign for Inborn genetic diseases. Last evaluated: 2022-06-13. Review status: criteria provided, single submitter. Criteria: Ambry Variant Classification Scheme 2023. Collection method: clinical testing. Allele origin: germline.

GeneDx
Classification: Likely benign. Last evaluated: 2022-03-16. Review status: criteria provided, single submitter. Criteria: GeneDx Variant Classification Process June 2021. Collection method: clinical testing. Allele origin: germline. Affected: yes.

NM_001330260.2(SCN8A):c.1846GGCTACAGC[3] (p.616GYS[3])

Gene: SCN8A (sodium voltage-gated channel alpha subunit 8; plus strand). Cytogenetic location: 12q13.13.
Variant type: Microsatellite.
Coding change: c.1846GGCTACAGC[3] on transcript NM_001330260.2 (MANE Select); three copies in a row of the 9-base unit GGCTACAGC starting at c.1846; the reference has two copies in a row; one copy, 9 bases duplicated.
Protein change: p.616GYS[3].
Molecular consequence: inframe insertion.
Genome position (GRCh38, 1-based): chr12:51,721,765-51,721,773, GGCTACAGC duplicated; duplicating any 9 consecutive bases within chr12:51,721,748-51,721,773 gives the same sequence; the position shown is the placement nearest the transcript's 3' end. VCF-style (leftmost placement, unchanged base first): chr12-51721747-A-AGCTACAGCG. GRCh37 (hg19) VCF-style: chr12-52115531-A-AGCTACAGCG.
Other names: c.1855_1863dup (NM_014191.3); c.1846GGCTACAGC[3], p.616GYS[3] (NM_001177984.3, NM_001369788.1, NM_014191.4).
Identifiers: ClinVar variation 653903 (VCV000653903.19), dbSNP rs758276968, ClinGen allele CA236266957.